The following is an entry in ClinVar:

NM_004453.4(ETFDH):c.251C>T (p.Ala84Val)

Gene: ETFDH (electron transfer flavoprotein dehydrogenase; plus strand). Cytogenetic location: 4q32.1.
Variant type: single nucleotide variant.
Coding change: c.251C>T on transcript NM_004453.4 (MANE Select); coding-DNA position 251, C replaced by T.
Protein change: p.Ala84Val; replaces alanine 84 with valine.
Molecular consequence: missense variant.
Genome position (GRCh38, 1-based): chr4:158,682,270, C>T. VCF-style: chr4-158682270-C-T. GRCh37 (hg19) VCF-style: chr4-159603422-C-T.
Other names: c.110C>T, p.Ala37Val (NM_001281737.2); c.68C>T, p.Ala23Val (NM_001281738.1); short protein forms A37V, A23V, A84V.
Identifiers: ClinVar variation 1451322 (VCV001451322.11), dbSNP rs1580396712, ClinGen allele CA358574024.

ClinVar aggregate classification (germline): Pathogenic/Likely pathogenic. Review status: criteria provided, multiple submitters, no conflicts (2 of 4 stars). 3 submissions from 3 submitters: Pathogenic (1); Likely pathogenic (2). Last evaluated 2023-11-21.

Conditions:
Multiple acyl-CoA dehydrogenase deficiency (MADD). Also called: Glutaric Acidemia type 2; ETHYLMALONIC-ADIPICACIDURIA; Glutaric aciduria, type 2; Glutaric acidemia type II; GA 2; GA II. Identifiers: Orphanet 26791, MedGen C0268596, MONDO:0009282, OMIM 231680.

Submissions (3):

Labcorp Genetics (formerly Invitae), Labcorp
Classification: Pathogenic for Multiple acyl-CoA dehydrogenase deficiency. Last evaluated: 2023-11-21. Review status: criteria provided, single submitter. Criteria: Invitae Variant Classification Sherloc (09022015). Collection method: clinical testing. Allele origin: germline.
Comment: This sequence change replaces alanine, which is neutral and non-polar, with valine, which is neutral and non-polar, at codon 84 of the ETFDH protein (p.Ala84Val). This variant is not present in population databases (gnomAD no frequency). This missense change has been observed in individual(s) with multiple acyl-coenzyme A dehydrogenation deficiency (PMID: 23628458; Invitae). In at least one individual the data is consistent with being in trans (on the opposite chromosome) from a pathogenic variant. ClinVar contains an entry for this variant (Variation ID: 1451322). Advanced modeling of protein sequence and biophysical properties (such as structural, functional, and spatial information, amino acid conservation, physicochemical variation, residue mobility, and thermodynamic stability) performed at Invitae indicates that this missense variant is expected to disrupt ETFDH protein function with a positive predictive value of 80%. This variant disrupts the p.Ala84 amino acid residue in ETFDH. Other variant(s) that disrupt this residue have been determined to be pathogenic (PMID: 24357026, 27000805, 27270537). This suggests that this residue is clinically significant, and that variants that disrupt this residue are likely to be disease-causing. For these reasons, this variant has been classified as Pathogenic.

Baylor Genetics
Classification: Likely pathogenic for Multiple acyl-CoA dehydrogenase deficiency. Last evaluated: 2023-09-06. Review status: criteria provided, single submitter. Criteria: ACMG Guidelines, 2015. Collection method: clinical testing. Allele origin: unknown.

Juno Genomics, Hangzhou Juno Genomics, Inc
Classification: Likely pathogenic for Multiple acyl-CoA dehydrogenase deficiency. Review status: criteria provided, single submitter. Criteria: ACMG Guidelines, 2015. Collection method: clinical testing. Allele origin: germline.
Comment: Absent from controls (or at extremely low frequency if recessive) in Genome Aggregation Database.;Multiple lines of computational evidence support a deleterious effect on the gene or gene product.;For recessive disorders, detected in trans with a pathogenic variant.;Patient's phenotype or family history is highly specific for a disease with a single genetic etiology.;Novel missense change at an amino acid residue where a different missense change determined to be pathogenic has been seen before.

Literature cited by the submitters: PubMed 23628458 (cited by Labcorp Genetics (formerly Invitae), Labcorp); PubMed 24357026 (cited by Labcorp Genetics (formerly Invitae), Labcorp); PubMed 27000805 (cited by Labcorp Genetics (formerly Invitae), Labcorp); PubMed 27270537 (cited by Labcorp Genetics (formerly Invitae), Labcorp).